The following is an entry in ClinVar:

NM_020791.4(TAOK1):c.132+1G>T

Gene: TAOK1 (TAO kinase 1; plus strand). Cytogenetic location: 17q11.2.
Variant type: single nucleotide variant.
Coding change: c.132+1G>T on transcript NM_020791.4 (MANE Select); the canonical splice donor site of the intron after coding-DNA position 132, G replaced by T.
Molecular consequence: splice donor variant.
Genome position (GRCh38, 1-based): chr17:29,451,681, G>T. VCF-style: chr17-29451681-G-T. GRCh37 (hg19) VCF-style: chr17-27778699-G-T.
Other names: c.132+1G>T (NM_025142.1).
Identifiers: ClinVar variation 3775505 (VCV003775505.1).
Genomic context (GRCh38, chr17:29,451,681, plus strand): 5'-GAGAAGCTCTTCACAGATCTCAGAGAAATTGGCCATGGAAGCTTTGGAGCAGTGTATTTT[G>T]TAAGTGTTAGTGGCTTGATGTCAGTGACTAAAATTTACTTAATGTCCACTCCTGACAGAG-3'

ClinVar aggregate classification (germline): Likely pathogenic (1 of 4 stars; one submission).

Conditions:
Developmental delay with or without intellectual impairment or behavioral abnormalities. Identifiers: MedGen C5562004, MONDO:0859199, OMIM 619575.

Submission:

3billion
Classification: Likely pathogenic for Developmental delay with or without intellectual impairment or behavioral abnormalities. Last evaluated: 2024-02-05. Review status: criteria provided, single submitter. Criteria: ACMG Guidelines, 2015. Collection method: clinical testing. Allele origin: germline. Affected: yes.
Comment: The variant is not observed in the gnomAD v2.1.1 dataset. Predicted Consequence/Location: Canonical splice site: predicted to alter splicing and result in a loss or disruption of normal protein function. Multiple pathogenic loss-of-function variants are reported downstream of the variant. In silico tools predict the variant to alter splicing and produce an abnormal transcript [Splice AI: 1.00 (spliceogenicity >=0.2, non-spliceogenicity <0.1)]. Therefore, this variant is classified as Likely pathogenic according to the recommendation of ACMG/AMP guideline.